The following is an entry in ClinVar:

ClinVar aggregate classification (germline): Benign/Likely benign. Review status: criteria provided, multiple submitters, no conflicts (2 of 4 stars). 3 submissions from 3 submitters: Benign (1); Likely benign (2). Last evaluated 2024-05-06.

Conditions:
Hereditary cancer-predisposing syndrome. Also called: Neoplastic Syndromes, Hereditary; Tumor predisposition; Hereditary Cancer Syndrome; Hereditary neoplastic syndrome. Identifiers: Orphanet 140162, MedGen C0027672, MeSH D009386, MONDO:0015356.
Familial cancer of breast. Also called: BREAST CANCER, FAMILIAL; Hereditary breast cancer; hereditary breast carcinoma. Identifiers: Orphanet 227535, MedGen C0346153, MONDO:0016419, OMIM 114480. Disease mechanism: loss of function.

Allele frequency attached by ClinVar (database versions not stated): gnomAD exomes below 0.00001.
gnomAD v4.1: 1 of 1,614,072 alleles (0.000062%); highest among the groups gnomAD compares: Non-Finnish European, 0.000085%; no homozygotes.

Submissions (3):

Myriad Genetics, Inc.
Classification: Benign for Familial cancer of breast. Last evaluated: 2024-05-06. Review status: criteria provided, single submitter. Criteria: Myriad Autosomal Dominant, Autosomal Recessive and X-Linked Classification Criteria (2023). Collection method: clinical testing. Allele origin: unknown.
Comment: This variant is considered benign. This variant is a silent/synonymous amino acid change and it is not expected to impact splicing.

Color Diagnostics, LLC DBA Color Health
Classification: Likely benign for Hereditary cancer-predisposing syndrome. Last evaluated: 2021-12-16. Review status: criteria provided, single submitter. Criteria: ACMG Guidelines, 2015. Collection method: clinical testing. Allele origin: germline.

Ambry Genetics
Classification: Likely benign for Hereditary cancer-predisposing syndrome. Last evaluated: 2021-10-10. Review status: criteria provided, single submitter. Criteria: Ambry Variant Classification Scheme 2023. Collection method: clinical testing. Allele origin: germline.

NM_000051.4(ATM):c.2037C>T (p.Gly679=)

Gene: ATM (ATM serine/threonine kinase; plus strand). Cytogenetic location: 11q22.3.
Variant type: single nucleotide variant.
Coding change: c.2037C>T on transcript NM_000051.4 (MANE Select); coding-DNA position 2037, C replaced by T.
Protein change: p.Gly679=; no amino-acid change (glycine 679 retained).
Molecular consequence: synonymous variant.
Genome position (GRCh38, 1-based): chr11:108,253,952, C>T. VCF-style: chr11-108253952-C-T. GRCh37 (hg19) VCF-style: chr11-108124679-C-T.
Other names: c.2037C>T, p.Gly679= (NM_001351834.2).
Identifiers: ClinVar variation 1784833 (VCV001784833.5), dbSNP rs2135369641, ClinGen allele CA476672420.
Genomic context (GRCh38, chr11:108,253,952, plus strand): 5'-GATGGACTTTTTAACCATTGTGAGAGAATGTGGTATAGAAAAGCACCAGTCCAGTATTGG[C>T]TTCTCTGTCCACCAGAATCTCAAGGAATCACTGGATCGCTGTCTTCTGGGATTATCAGAA-3'
Protein context (NP_000042.3, residues 669-689): CGIEKHQSSI[Gly679=]FSVHQNLKES